The following is an entry in ClinVar:

ClinVar aggregate classification (germline): Uncertain significance. Review status: criteria provided, multiple submitters, no conflicts (2 of 4 stars). 3 submissions from 3 submitters: Uncertain significance (3). Last evaluated 2026-03-27.

Conditions:
Inborn genetic diseases. Identifiers: MedGen C0950123, MeSH D030342.

Allele frequency attached by ClinVar (database versions not stated): gnomAD 0.00001.
gnomAD v4.1: 11 of 1,612,498 alleles (0.00068%); highest among the groups gnomAD compares: African/African-American, 0.013%; no homozygotes.

Submissions (3):

Ambry Genetics
Classification: Uncertain significance for Inborn genetic diseases. Last evaluated: 2026-03-27. Review status: criteria provided, single submitter. Criteria: Ambry Variant Classification Scheme 2023. Collection method: clinical testing. Allele origin: germline.

GeneDx
Classification: Uncertain significance. Last evaluated: 2023-11-19. Review status: criteria provided, single submitter. Criteria: GeneDx Variant Classification Process June 2021. Collection method: clinical testing. Allele origin: germline. Affected: yes.
Comment: Not observed at significant frequency in large population cohorts (gnomAD); In silico analysis supports that this missense variant has a deleterious effect on protein structure/function; Has not been previously published as pathogenic or benign to our knowledge

CeGaT Center for Human Genetics Tuebingen
Classification: Uncertain significance. Last evaluated: 2021-08-01. Review status: criteria provided, single submitter. Criteria: CeGaT Center For Human Genetics Tuebingen Variant Classification Criteria Version 2. Collection method: clinical testing. Allele origin: germline. Affected: yes. Observed: 1 variant allele.

NM_001348768.2(HECW2):c.3949G>A (p.Ala1317Thr)

Gene: HECW2 (HECT, C2 and WW domain containing E3 ubiquitin protein ligase 2; minus strand). Cytogenetic location: 2q32.3.
Variant type: single nucleotide variant.
Coding change: c.3949G>A on transcript NM_001348768.2 (MANE Select); coding-DNA position 3949, G replaced by A.
Protein change: p.Ala1317Thr; replaces alanine 1317 with threonine.
Molecular consequence: missense variant.
Genome position (GRCh38, 1-based): chr2:196,225,839, C>T on the plus strand (G>A on the coding strand, the complement: HECW2 is on the minus strand). VCF-style: chr2-196225839-C-T. GRCh37 (hg19) VCF-style: chr2-197090563-C-T.
Other names: c.2881G>A, p.Ala961Thr (NM_001304840.3); c.3949G>A, p.Ala1317Thr (NM_020760.4); c.3949G>A (NM_020760.1); short protein forms A1317T, A961T.
Identifiers: ClinVar variation 1298851 (VCV001298851.37), dbSNP rs929155541, ClinGen allele CA62755987.
Genomic context (GRCh38, chr2:196,225,839, plus strand): 5'-GAAGAGCCTTATAAAAGGGCCGTGTGAAGAAGGCATCCAACAAATACTGGTGTATTAGTG[C>T]AAGACCAAGGATCCTACCACTGAATCGGAACCTGTGAAGGAAACACATGAGATGGCTTAC-3'
Protein context (NP_001335697.1, residues 1307-1327): FRFSGRILGL[Ala1317Thr]LIHQYLLDAF